The following is an entry in ClinVar:

ClinVar aggregate classification (germline): Uncertain significance (1 of 4 stars; one submission).

gnomAD v4.1: 17 of 1,613,844 alleles (0.0011%); highest among the groups gnomAD compares: African/African-American, 0.004%; no homozygotes.

Submission:

Labcorp Genetics (formerly Invitae), Labcorp
Classification: Uncertain significance. Last evaluated: 2025-12-21. Review status: criteria provided, single submitter. Criteria: Invitae Variant Classification Sherloc (09022015). Collection method: clinical testing. Allele origin: germline.
Comment: This sequence change replaces arginine, which is basic and polar, with histidine, which is basic and polar, at codon 110 of the XPR1 protein (p.Arg110His). This variant is present in population databases (rs752429980, gnomAD 0.01%). This variant has not been reported in the literature in individuals affected with XPR1-related conditions. Invitae Evidence Modeling of protein sequence and biophysical properties (such as structural, functional, and spatial information, amino acid conservation, physicochemical variation, residue mobility, and thermodynamic stability) indicates that this missense variant is not expected to disrupt XPR1 protein function with a negative predictive value of 80%. In summary, the available evidence is currently insufficient to determine the role of this variant in disease. Therefore, it has been classified as a Variant of Uncertain Significance.

NM_004736.4(XPR1):c.329G>A (p.Arg110His)

Gene: XPR1 (xenotropic and polytropic retrovirus receptor 1; plus strand). Cytogenetic location: 1q25.3.
Variant type: single nucleotide variant.
Coding change: c.329G>A on transcript NM_004736.4 (MANE Select); coding-DNA position 329, G replaced by A.
Protein change: p.Arg110His; replaces arginine 110 with histidine.
Molecular consequence: missense variant. On other transcripts: non-coding transcript variant (1).
Genome position (GRCh38, 1-based): chr1:180,803,493, G>A. VCF-style: chr1-180803493-G-A. GRCh37 (hg19) VCF-style: chr1-180772629-G-A.
Other names: c.329G>A, p.Arg110His (NM_001135669.2, NM_001328662.2); short protein forms R110H.
Identifiers: ClinVar variation 4778843 (VCV004778843.1).
Genomic context (GRCh38, chr1:180,803,493, plus strand): 5'-AGCTTCAGTCATCACTGGATGCACAGAAAGAAAGCACTGGTGTTACTACGCTGCGACAAC[G>A]CAGAAAGCCAGTCTTCCACTTGTCCCATGAGGAACGTGTCCAACATAGAAATATTAAAGA-3'
Protein context (NP_004727.2, residues 100-120): ESTGVTTLRQ[Arg110His]RKPVFHLSHE